The following is an entry in ClinVar:

NM_020361.5(CPA6):c.748-1G>A

Genes: ARFGEF1-DT (ARFGEF1 divergent transcript; plus strand), CPA6 (carboxypeptidase A6; minus strand). Cytogenetic location: 8q13.2.
Variant type: single nucleotide variant.
Coding change: c.748-1G>A on transcript NM_020361.5 (MANE Select); the canonical splice acceptor site of the intron before coding-DNA position 748, G replaced by A.
Molecular consequence: splice acceptor variant.
Genome position (GRCh38, 1-based): chr8:67,483,859, C>T on the plus strand (G>A on the coding strand, the complement: CPA6 is on the minus strand). VCF-style: chr8-67483859-C-T. GRCh37 (hg19) VCF-style: chr8-68396094-C-T.
Other names: c.748-1G>A (NM_020361.4).
Identifiers: ClinVar variation 1138982 (VCV001138982.10), dbSNP rs201265791, ClinGen allele CA4772859.

ClinVar aggregate classification (germline): Conflicting classifications of pathogenicity. Review status: criteria provided, conflicting classifications (1 of 4 stars). 2 submissions from 2 submitters: Uncertain significance (1); Likely benign (1). Last evaluated 2023-07-26.

Conditions:
Febrile seizures, familial, 11 (FEB11). Also called: CONVULSIONS, FAMILIAL FEBRILE, 11. Identifiers: MedGen C3280734, MONDO:0024566, OMIM 614418.

Allele frequency attached by ClinVar (database versions not stated): ESP Exome Variant Server 0.00008; TOPMed 0.00008; gnomAD 0.00009; gnomAD exomes 0.00011 and 0.00020; 1000 Genomes Project 30x 0.00016; 1000 Genomes Project 0.00020; ExAC 0.00035.
gnomAD v4.1: 182 of 1,612,716 alleles (0.011%); highest among the groups gnomAD compares: Non-Finnish European, 0.011%; no homozygotes.

Submissions (2):

Women's Health and Genetics/Laboratory Corporation of America, LabCorp
Classification: Uncertain significance. Last evaluated: 2023-07-26. Review status: criteria provided, single submitter. Criteria: LabCorp Variant Classification Summary - May 2015. Collection method: clinical testing. Allele origin: germline.
Comment: Variant summary: CPA6 c.748-1G>A is located in a canonical splice-site and is predicted to affect mRNA splicing resulting in a significantly altered protein due to either exon skipping, shortening, or inclusion of intronic material. Several computational tools predict a significant impact on normal splicing: Four predict the variant abolishes a canonical 3' splice acceptor site, and three predict the variant creates a cryptic 3' acceptor site. However, these predictions have yet to be confirmed by functional studies. The variant allele was found at a frequency of 0.0002 in 251296 control chromosomes (gnomAD). To our knowledge, no occurrence of c.748-1G>A in individuals affected with CPA6-Related Disorders and no experimental evidence demonstrating its impact on protein function have been reported. One submitter has cited a clinical-significance assessment for this variant to ClinVar after 2014 and has classified the variant as likely benign. Based on the evidence outlined above, the variant was classified as uncertain significance.

Labcorp Genetics (formerly Invitae), Labcorp
Classification: Likely benign for Febrile seizures, familial, 11. Last evaluated: 2019-07-22. Review status: criteria provided, single submitter. Criteria: Invitae Variant Classification Sherloc (09022015). Collection method: clinical testing. Allele origin: germline.